The following is an entry in ClinVar:

NM_198407.2(GHSR):c.108G>C (p.Gln36His)

Gene: GHSR (growth hormone secretagogue receptor; minus strand). Cytogenetic location: 3q26.31.
Variant type: single nucleotide variant.
Coding change: c.108G>C on transcript NM_198407.2 (MANE Select); coding-DNA position 108, G replaced by C.
Protein change: p.Gln36His; replaces glutamine 36 with histidine.
Molecular consequence: missense variant.
Genome position (GRCh38, 1-based): chr3:172,448,306, C>G on the plus strand (G>C on the coding strand, the complement: GHSR is on the minus strand). VCF-style: chr3-172448306-C-G. GRCh37 (hg19) VCF-style: chr3-172166096-C-G.
Other names: c.108G>C, p.Gln36His (NM_004122.2); short protein forms Q36H.
Identifiers: ClinVar variation 3009619 (VCV003009619.3), dbSNP rs947921947, ClinGen allele CA87786296.

ClinVar aggregate classification (germline): Uncertain significance (1 of 4 stars; one submission).

Allele frequency attached by ClinVar (database versions not stated): TOPMed 0.00002; gnomAD 0.00003.
gnomAD v4.1: 7 of 1,610,856 alleles (0.00043%); highest among the groups gnomAD compares: Admixed American, 0.005%; no homozygotes.

Submission:

Labcorp Genetics (formerly Invitae), Labcorp
Classification: Uncertain significance. Last evaluated: 2023-07-18. Review status: criteria provided, single submitter. Criteria: Invitae Variant Classification Sherloc (09022015). Collection method: clinical testing. Allele origin: germline.
Comment: Advanced modeling of protein sequence and biophysical properties (such as structural, functional, and spatial information, amino acid conservation, physicochemical variation, residue mobility, and thermodynamic stability) performed at Invitae indicates that this missense variant is not expected to disrupt GHSR protein function. This variant has not been reported in the literature in individuals affected with GHSR-related conditions. This variant is present in population databases (no rsID available, gnomAD no frequency). This sequence change replaces glutamine, which is neutral and polar, with histidine, which is basic and polar, at codon 36 of the GHSR protein (p.Gln36His). In summary, the available evidence is currently insufficient to determine the role of this variant in disease. Therefore, it has been classified as a Variant of Uncertain Significance.